The following is an entry in ClinVar:

NC_000009.11:g.(?_95477699)_(95479322_?)del

Gene: BICD2 (BICD cargo adaptor 2; minus strand). Cytogenetic location: 9q22.31.
Variant type: Deletion.
Identifiers: ClinVar variation 1409986 (VCV001409986.6).

ClinVar aggregate classification (germline): Uncertain significance (1 of 4 stars; one submission).

Conditions:
Autosomal dominant childhood-onset proximal spinal muscular atrophy with contractures (SMALED2A). Also called: Spinal muscular atrophy, lower extremity-predominant, 2A, autosomal dominant; SPINAL MUSCULAR ATROPHY, LOWER EXTREMITY-PREDOMINANT, 2A, CHILDHOOD ONSET, AUTOSOMAL DOMINANT. Identifiers: Orphanet 363447, Orphanet 363454, MedGen C4747715, MONDO:0014121, OMIM 615290.

Submission:

Labcorp Genetics (formerly Invitae), Labcorp
Classification: Uncertain significance for Autosomal dominant childhood-onset proximal spinal muscular atrophy with contractures. Last evaluated: 2021-09-17. Review status: criteria provided, single submitter. Criteria: Invitae Variant Classification Sherloc (09022015). Collection method: clinical testing. Allele origin: germline.
Comment: This variant results in the deletion of part of exon 7 (c.2258+757_2305del) of the BICD2 gene. It affects a nucleotide within the consensus splice site of the intron. In summary, the available evidence is currently insufficient to determine the role of this variant in disease. Therefore, it has been classified as a Variant of Uncertain Significance. Variants that disrupt the consensus splice site are a relatively common cause of aberrant splicing (PMID: 17576681, 9536098). ClinVar contains an entry for this variant (Variation ID: 859802). This variant has not been reported in the literature in individuals affected with BICD2-related conditions.

Literature cited by the submitters: PubMed 17576681; PubMed 9536098.